The following is an entry in ClinVar:

ClinVar aggregate classification (germline): Uncertain significance (1 of 4 stars; one submission).

Conditions:
POLD1-related polyposis and colorectal cancer syndrome (CRCS10). Also called: Colorectal cancer, susceptibility to, 10; Colorectal cancer 10; COLORECTAL CANCER, SUSCEPTIBILITY TO, ON CHROMOSOME 19q. Identifiers: Orphanet 220460, MedGen C2675481, MONDO:0012953, OMIM 612591.

Submission:

Labcorp Genetics (formerly Invitae), Labcorp
Classification: Uncertain significance for POLD1-related polyposis and colorectal cancer syndrome. Last evaluated: 2021-11-08. Review status: criteria provided, single submitter. Criteria: Invitae Variant Classification Sherloc (09022015). Collection method: clinical testing. Allele origin: germline.
Comment: In summary, the available evidence is currently insufficient to determine the role of this variant in disease. Therefore, it has been classified as a Variant of Uncertain Significance. Algorithms developed to predict the effect of missense changes on protein structure and function are either unavailable or do not agree on the potential impact of this missense change (SIFT: "Tolerated"; PolyPhen-2: "Possibly Damaging"; Align-GVGD: "Class C0"). This variant has not been reported in the literature in individuals affected with POLD1-related conditions. This variant is not present in population databases (gnomAD no frequency). This sequence change replaces serine, which is neutral and polar, with tyrosine, which is neutral and polar, at codon 207 of the POLD1 protein (p.Ser207Tyr).

NM_002691.4(POLD1):c.620C>A (p.Ser207Tyr)

Gene: POLD1 (DNA polymerase delta 1, catalytic subunit; plus strand). Cytogenetic location: 19q13.33.
Variant type: single nucleotide variant.
Coding change: c.620C>A on transcript NM_002691.4 (MANE Select); coding-DNA position 620, C replaced by A.
Protein change: p.Ser207Tyr; replaces serine 207 with tyrosine.
Molecular consequence: missense variant. On other transcripts: non-coding transcript variant (1).
Genome position (GRCh38, 1-based): chr19:50,402,235, C>A. VCF-style: chr19-50402235-C-A. GRCh37 (hg19) VCF-style: chr19-50905492-C-A.
Other names: c.620C>A, p.Ser207Tyr (NM_001256849.1, NM_001308632.1); short protein forms S207Y.
Identifiers: ClinVar variation 1390877 (VCV001390877.6), dbSNP rs2038674007, ClinGen allele CA406973930.